The following is an entry in ClinVar:

NM_000530.8(MPZ):c.88A>G (p.Ile30Val)

Gene: MPZ (myelin protein zero; minus strand). Cytogenetic location: 1q23.3.
Variant type: single nucleotide variant.
Coding change: c.88A>G on transcript NM_000530.8 (MANE Select); coding-DNA position 88, A replaced by G.
Protein change: p.Ile30Val; replaces isoleucine 30 with valine.
Molecular consequence: missense variant.
Genome position (GRCh38, 1-based): chr1:161,307,404, T>C on the plus strand (A>G on the coding strand, the complement: MPZ is on the minus strand). VCF-style: chr1-161307404-T-C. GRCh37 (hg19) VCF-style: chr1-161277194-T-C.
Other names: c.88A>G, p.Ile30Val (NM_001315491.2); short protein forms I30V.
Identifiers: ClinVar variation 1045680 (VCV001045680.10), dbSNP rs1386345719, ClinGen allele CA343351622.

ClinVar aggregate classification (germline): Conflicting classifications of pathogenicity. Review status: criteria provided, conflicting classifications (1 of 4 stars). 3 submissions from 3 submitters: Likely pathogenic (1); Uncertain significance (2). Last evaluated 2025-01-06.

Conditions:
Inborn genetic diseases. Identifiers: MedGen C0950123, MeSH D030342.
Charcot-Marie-Tooth disease, type I (CMT1). Also called: Charcot-Marie-Tooth, Type 1; Charcot-Marie-Tooth disease type 1. Identifiers: Orphanet 65753, MedGen C0751036, MONDO:0019011.

Allele frequency attached by ClinVar (database versions not stated): TOPMed below 0.00001.

Submissions (3):

Labcorp Genetics (formerly Invitae), Labcorp
Classification: Uncertain significance for Charcot-Marie-Tooth disease, type I. Last evaluated: 2025-01-06. Review status: criteria provided, single submitter. Criteria: Invitae Variant Classification Sherloc (09022015). Collection method: clinical testing. Allele origin: germline.
Comment: This sequence change replaces isoleucine, which is neutral and non-polar, with valine, which is neutral and non-polar, at codon 30 of the MPZ protein (p.Ile30Val). This variant is not present in population databases (gnomAD no frequency). This missense change has been observed in individual(s) with clinical features of Charcot-Marie-Tooth disease and/or MPZ-related conditions (PMID: 25614874; internal data). It has also been observed to segregate with disease in related individuals. ClinVar contains an entry for this variant (Variation ID: 1045680). Invitae Evidence Modeling of protein sequence and biophysical properties (such as structural, functional, and spatial information, amino acid conservation, physicochemical variation, residue mobility, and thermodynamic stability) indicates that this missense variant is not expected to disrupt MPZ protein function with a negative predictive value of 80%. This variant disrupts the p.Ile30 amino acid residue in MPZ. Other variant(s) that disrupt this residue have been determined to be pathogenic (PMID: 7694726, 17143884, 20461396, 26454100). This suggests that this residue is clinically significant, and that variants that disrupt this residue are likely to be disease-causing. In summary, the available evidence is currently insufficient to determine the role of this variant in disease. Therefore, it has been classified as a Variant of Uncertain Significance.

Ambry Genetics
Classification: Uncertain significance for Inborn genetic diseases. Last evaluated: 2023-10-27. Review status: criteria provided, single submitter. Criteria: Ambry Variant Classification Scheme 2023. Collection method: clinical testing. Allele origin: germline.

Athena Diagnostics
Classification: Likely pathogenic. Last evaluated: 2021-06-28. Review status: criteria provided, single submitter. Criteria: Athena Diagnostics Criteria. Collection method: clinical testing. Allele origin: unknown.
Comment: This variant has not been reported in large, multi-ethnic general populations. This variant has been identified in at least one individual with clinical features associated with this gene. At least one other missense variant at this codon is considered to be pathogenic or likely pathogenic, suggesting this variant may also cause disease. The variant is located in a region that is considered important for protein function and/or structure. Computational tools predict that this variant is damaging.

Literature cited by the submitters: PubMed 25614874 (cited by Labcorp Genetics (formerly Invitae), Labcorp and Athena Diagnostics); PubMed 7694726 (cited by Labcorp Genetics (formerly Invitae), Labcorp); PubMed 17143884 (cited by Labcorp Genetics (formerly Invitae), Labcorp); PubMed 20461396 (cited by Labcorp Genetics (formerly Invitae), Labcorp); PubMed 26454100 (cited by Labcorp Genetics (formerly Invitae), Labcorp).